The following is an entry in ClinVar:

ClinVar aggregate classification (germline): Likely benign. Review status: criteria provided, multiple submitters, no conflicts (2 of 4 stars). 4 submissions from 4 submitters: Likely benign (2). 2 of the submissions do not count toward it. Last evaluated 2026-05-04.

Conditions:
ACOX1-related disorder. Also called: ACOX1-related disorders; ACOX1-related condition.
Acyl-CoA oxidase deficiency. Also called: STRAIGHT-CHAIN ACYL-CoA OXIDASE DEFICIENCY; Peroxisomal acyl-CoA oxidase deficiency; Pseudoneonatal adrenoleukodystrophy. Identifiers: Orphanet 2971, MedGen C1849678, MONDO:0009919, OMIM 264470. Disease mechanism: loss of function.

Allele frequency attached by ClinVar (database versions not stated): ExAC 0.00015; 1000 Genomes Project 0.00020; ESP Exome Variant Server 0.00054; TOPMed 0.00022; gnomAD exomes 0.00015; 1000 Genomes Project 30x 0.00016; gnomAD 0.00019 and 0.00020.

Submissions (4):

Women's Health and Genetics/Laboratory Corporation of America, LabCorp
Classification: Likely benign. Last evaluated: 2026-05-04. Review status: criteria provided, single submitter. Criteria: LabCorp Variant Classification Summary - May 2015. Collection method: clinical testing. Allele origin: germline.

Labcorp Genetics (formerly Invitae), Labcorp
Classification: Likely benign for Acyl-CoA oxidase deficiency. Last evaluated: 2026-01-27. Review status: criteria provided, single submitter. Criteria: Invitae Variant Classification Sherloc (09022015). Collection method: clinical testing. Allele origin: germline.

PreventionGenetics, part of Exact Sciences
Classification: Likely benign for ACOX1-related condition. Last evaluated: 2024-02-21. Review status: no assertion criteria provided. Collection method: clinical testing. Allele origin: germline. Not counted in ClinVar's aggregate classification.
Comment: This variant is classified as likely benign based on ACMG/AMP sequence variant interpretation guidelines (Richards et al. 2015 PMID: 25741868, with internal and published modifications).

Natera, Inc.
Classification: Likely benign for Peroxisomal acyl-CoA oxidase deficiency. Last evaluated: 2020-06-18. Review status: no assertion criteria provided. Collection method: clinical testing. Allele origin: germline. Not counted in ClinVar's aggregate classification.

NM_004035.7(ACOX1):c.72C>T (p.Asp24=)

Gene: ACOX1 (acyl-CoA oxidase 1; minus strand). Cytogenetic location: 17q25.1.
Variant type: single nucleotide variant.
Coding change: c.72C>T on transcript NM_004035.7 (MANE Select); coding-DNA position 72, C replaced by T.
Protein change: p.Asp24=; no amino-acid change (aspartic acid 24 retained).
Molecular consequence: synonymous variant. On other transcripts: 5 prime UTR variant (1).
Genome position (GRCh38, 1-based): chr17:75,979,002, G>A on the plus strand (C>T on the coding strand, the complement: ACOX1 is on the minus strand). VCF-style: chr17-75979002-G-A. GRCh37 (hg19) VCF-style: chr17-73975083-G-A.
Other names: c.-217C>T (NM_001185039.2); c.72C>T, p.Asp24= (NM_007292.6).
Identifiers: ClinVar variation 730688 (VCV000730688.15), dbSNP rs117585420, ClinGen allele CA8777167.